The following is an entry in ClinVar:

ClinVar aggregate classification (germline): Uncertain significance (1 of 4 stars; one submission).

Conditions:
DICER1-related tumor predisposition. Also called: DICER1-related pleuropulmonary blastoma cancer predisposition syndrome; DICER1 syndrome. Identifiers: Orphanet 284343, MedGen C3839822, MONDO:0100216.

Submission:

Labcorp Genetics (formerly Invitae), Labcorp
Classification: Uncertain significance for DICER1-related tumor predisposition. Last evaluated: 2023-07-29. Review status: criteria provided, single submitter. Criteria: Invitae Variant Classification Sherloc (09022015). Collection method: clinical testing. Allele origin: germline.
Comment: In summary, the available evidence is currently insufficient to determine the role of this variant in disease. Therefore, it has been classified as a Variant of Uncertain Significance. Algorithms developed to predict the effect of sequence changes on RNA splicing suggest that this variant may disrupt the consensus splice site. Advanced modeling of protein sequence and biophysical properties (such as structural, functional, and spatial information, amino acid conservation, physicochemical variation, residue mobility, and thermodynamic stability) has been performed at Invitae for this missense variant, however the output from this modeling did not meet the statistical confidence thresholds required to predict the impact of this variant on DICER1 protein function. ClinVar contains an entry for this variant (Variation ID: 653105). This variant has not been reported in the literature in individuals affected with DICER1-related conditions. This variant is not present in population databases (gnomAD no frequency). This sequence change replaces phenylalanine, which is neutral and non-polar, with leucine, which is neutral and non-polar, at codon 663 of the DICER1 protein (p.Phe663Leu).

NM_177438.3(DICER1):c.1987T>C (p.Phe663Leu)

Gene: DICER1 (dicer 1, ribonuclease III; minus strand). Cytogenetic location: 14q32.13.
Variant type: single nucleotide variant.
Coding change: c.1987T>C on transcript NM_177438.3 (MANE Select); coding-DNA position 1987, T replaced by C.
Protein change: p.Phe663Leu; replaces phenylalanine 663 with leucine.
Molecular consequence: missense variant.
Genome position (GRCh38, 1-based): chr14:95,113,145, A>G on the plus strand (T>C on the coding strand, the complement: DICER1 is on the minus strand). VCF-style: chr14-95113145-A-G. GRCh37 (hg19) VCF-style: chr14-95579482-A-G.
Other names: c.1987T>C, p.Phe663Leu (NM_001195573.1, NM_001271282.3, NM_001291628.2 and 1 more transcripts); short protein forms F663L.
Identifiers: ClinVar variation 653105 (VCV000653105.10), dbSNP rs1595396796, ClinGen allele CA390883267.